The following is an entry in ClinVar:

NM_173598.6(KSR2):c.731G>A (p.Gly244Asp)

Gene: KSR2 (kinase suppressor of ras 2; minus strand). Cytogenetic location: 12q24.23.
Variant type: single nucleotide variant.
Coding change: c.731G>A on transcript NM_173598.6 (MANE Select); coding-DNA position 731, G replaced by A.
Protein change: p.Gly244Asp; replaces glycine 244 with aspartic acid.
Molecular consequence: missense variant.
Genome position (GRCh38, 1-based): chr12:117,761,266, C>T on the plus strand (G>A on the coding strand, the complement: KSR2 is on the minus strand). VCF-style: chr12-117761266-C-T. GRCh37 (hg19) VCF-style: chr12-118199071-C-T.
Other names: short protein forms G244D.
Identifiers: ClinVar variation 3348357 (VCV003348357.1).

ClinVar aggregate classification (germline): Uncertain significance (0 of 4 stars; one submission).

Conditions:
KSR2-related disorder. Also called: KSR2-related condition.

Submission:

PreventionGenetics, part of Exact Sciences
Classification: Uncertain significance for KSR2-related condition. Last evaluated: 2024-04-06. Review status: no assertion criteria provided. Collection method: clinical testing. Allele origin: germline.
Comment: The KSR2 c.644G>A variant is predicted to result in the amino acid substitution p.Gly215Asp. To our knowledge, this variant has not been reported in the literature. This variant is reported in 0.0077% of alleles in individuals of African descent in gnomAD. At this time, the clinical significance of this variant is uncertain due to the absence of conclusive functional and genetic evidence.